The following is an entry in ClinVar:

NM_001378454.1(ALMS1):c.1786del (p.Glu596fs)

Gene: ALMS1 (ALMS1 centrosome and basal body associated protein; plus strand). Cytogenetic location: 2p13.1.
Variant type: Deletion.
Coding change: c.1786del on transcript NM_001378454.1 (MANE Select); coding-DNA position 1786, one base deleted (G; older notation c.1786delG).
Protein change: p.Glu596fs; shifts the reading frame from glutamic acid 596.
Molecular consequence: frameshift variant.
Genome position (GRCh38, 1-based): chr2:73,448,313, G deleted. VCF-style (leftmost placement, unchanged base first): chr2-73448312-TG-T. GRCh37 (hg19) VCF-style: chr2-73675439-TG-T.
Other names: c.1789del, p.Glu597fs (NM_015120.4); short protein forms E597fs, E596fs.
Identifiers: ClinVar variation 2203097 (VCV002203097.4), dbSNP rs2466092307, ClinGen allele CA2580067876.

ClinVar aggregate classification (germline): Pathogenic (1 of 4 stars; one submission).

Conditions:
Alstrom syndrome (ALMS). Identifiers: Orphanet 64, MedGen C0268425, MONDO:0008763, OMIM 203800.

Allele frequency attached by ClinVar (database versions not stated): gnomAD exomes below 0.00001.

Submission:

Labcorp Genetics (formerly Invitae), Labcorp
Classification: Pathogenic for Alstrom syndrome. Last evaluated: 2024-12-17. Review status: criteria provided, single submitter. Criteria: Invitae Variant Classification Sherloc (09022015). Collection method: clinical testing. Allele origin: germline.
Comment: This sequence change creates a premature translational stop signal (p.Glu597Lysfs*4) in the ALMS1 gene. It is expected to result in an absent or disrupted protein product. Loss-of-function variants in ALMS1 are known to be pathogenic (PMID: 17594715). This variant is not present in population databases (gnomAD no frequency). This premature translational stop signal has been observed in individual(s) with Alström syndrome (PMID: 17594715). ClinVar contains an entry for this variant (Variation ID: 2203097). For these reasons, this variant has been classified as Pathogenic.

Literature cited by the submitters: PubMed 17594715.